The following is an entry in ClinVar:

ClinVar aggregate classification (germline): Likely benign (1 of 4 stars; one submission).

Allele frequency attached by ClinVar (database versions not stated): gnomAD 0.00003; gnomAD exomes 0.00003; ExAC 0.00007; ESP Exome Variant Server 0.00008.
gnomAD v4.1: 56 of 1,613,428 alleles (0.0035%); highest among the groups gnomAD compares: Middle Eastern, 0.033%; no homozygotes.

Submission:

CeGaT Center for Human Genetics Tuebingen
Classification: Likely benign. Last evaluated: 2024-06-01. Review status: criteria provided, single submitter. Criteria: CeGaT Center For Human Genetics Tuebingen Variant Classification Criteria Version 2. Collection method: clinical testing. Allele origin: germline. Affected: yes. Observed: 1 variant allele.
Comment: SPTBN1: BP4, BP7

NM_003128.3(SPTBN1):c.1770C>T (p.Ser590=)

Gene: SPTBN1 (spectrin beta, non-erythrocytic 1; plus strand). Cytogenetic location: 2p16.2.
Variant type: single nucleotide variant.
Coding change: c.1770C>T on transcript NM_003128.3 (MANE Select); coding-DNA position 1770, C replaced by T.
Protein change: p.Ser590=; no amino-acid change (serine 590 retained).
Molecular consequence: synonymous variant.
Genome position (GRCh38, 1-based): chr2:54,628,222, C>T. VCF-style: chr2-54628222-C-T. GRCh37 (hg19) VCF-style: chr2-54855359-C-T.
Other names: c.1731C>T, p.Ser577= (NM_178313.3).
Identifiers: ClinVar variation 3250656 (VCV003250656.18), dbSNP rs375130631.